The following is an entry in ClinVar:

ClinVar aggregate classification (germline): Uncertain significance (1 of 4 stars; one submission).

Conditions:
Developmental and epileptic encephalopathy, 36 (DEE36). Also called: Congenital disorder of glycosylation, type Is; ALG13-CDG; Epileptic encephalopathy, early infantile, 36. Identifiers: Orphanet 324422, MedGen C4317295, MONDO:0010472, OMIM 300884.

Allele frequency attached by ClinVar (database versions not stated): gnomAD exomes below 0.00001.
gnomAD v4.1: 4 of 1,207,594 alleles (0.00033%); highest among the groups gnomAD compares: East Asian, 0.0059%; no homozygotes.

Submission:

Labcorp Genetics (formerly Invitae), Labcorp
Classification: Uncertain significance for Developmental and epileptic encephalopathy, 36. Last evaluated: 2025-11-03. Review status: criteria provided, single submitter. Criteria: Invitae Variant Classification Sherloc (09022015). Collection method: clinical testing. Allele origin: germline.
Comment: This sequence change replaces leucine, which is neutral and non-polar, with valine, which is neutral and non-polar, at codon 288 of the ALG13 protein (p.Leu288Val). This variant is present in population databases (no rsID available, gnomAD 0.02%), including at least one homozygous and/or hemizygous individual. This missense change has been observed in individual(s) with clinical features of ALG13-related conditions (PMID: 35899201). ClinVar contains an entry for this variant (Variation ID: 2818483). Invitae Evidence Modeling of protein sequence and biophysical properties (such as structural, functional, and spatial information, amino acid conservation, physicochemical variation, residue mobility, and thermodynamic stability) has been performed for this missense variant. However, the output from this modeling did not meet the statistical confidence thresholds required to predict the impact of this variant on ALG13 protein function. In summary, the available evidence is currently insufficient to determine the role of this variant in disease. Therefore, it has been classified as a Variant of Uncertain Significance.

Literature cited by the submitters: PubMed 35899201.

NM_001099922.3(ALG13):c.862C>G (p.Leu288Val)

Gene: ALG13 (ALG13 UDP-N-acetylglucosaminyltransferase subunit; plus strand). Cytogenetic location: Xq23.
Variant type: single nucleotide variant.
Coding change: c.862C>G on transcript NM_001099922.3 (MANE Select); coding-DNA position 862, C replaced by G.
Protein change: p.Leu288Val; replaces leucine 288 with valine.
Molecular consequence: missense variant.
Genome position (GRCh38, 1-based): chrX:111,711,702, C>G. VCF-style: chrX-111711702-C-G. GRCh37 (hg19) VCF-style: chrX-110954930-C-G.
Other names: c.550C>G, p.Leu184Val (NM_001257230.2, NM_001257234.2, NM_001257237.2 and 1 more transcripts); c.628C>G, p.Leu210Val (NM_001257231.2); c.862C>G, p.Leu288Val (NM_001324292.2); short protein forms L210V, L288V, L184V.
Identifiers: ClinVar variation 2818483 (VCV002818483.3), dbSNP rs1447914775, ClinGen allele CA414250283.